The following is an entry in ClinVar:

ClinVar aggregate classification (germline): Uncertain significance. Review status: criteria provided, multiple submitters, no conflicts (2 of 4 stars). 2 submissions from 2 submitters: Uncertain significance (2). Last evaluated 2024-09-17.

Allele frequency attached by ClinVar (database versions not stated): ExAC 0.00001; gnomAD exomes 0.00001 and 0.00005; gnomAD 0.00003; TOPMed 0.00003.
gnomAD v4.1: 73 of 1,605,770 alleles (0.0045%); highest among the groups gnomAD compares: Non-Finnish European, 0.0058%; no homozygotes.

Submissions (2):

Labcorp Genetics (formerly Invitae), Labcorp
Classification: Uncertain significance. Last evaluated: 2024-09-17. Review status: criteria provided, single submitter. Criteria: Invitae Variant Classification Sherloc (09022015). Collection method: clinical testing. Allele origin: germline.
Comment: This sequence change replaces methionine, which is neutral and non-polar, with valine, which is neutral and non-polar, at codon 927 of the PITPNM3 protein (p.Met927Val). This variant is present in population databases (rs763355277, gnomAD 0.004%). This variant has not been reported in the literature in individuals affected with PITPNM3-related conditions. ClinVar contains an entry for this variant (Variation ID: 1409012). An algorithm developed to predict the effect of missense changes on protein structure and function (PolyPhen-2) suggests that this variant is likely to be tolerated. In summary, the available evidence is currently insufficient to determine the role of this variant in disease. Therefore, it has been classified as a Variant of Uncertain Significance.

Ambry Genetics
Classification: Uncertain significance. Last evaluated: 2024-08-20. Review status: criteria provided, single submitter. Criteria: Ambry Variant Classification Scheme 2023. Collection method: clinical testing. Allele origin: germline.

NM_031220.4(PITPNM3):c.2779A>G (p.Met927Val)

Gene: PITPNM3 (PITPNM family member 3; minus strand). Cytogenetic location: 17p13.2.
Variant type: single nucleotide variant.
Coding change: c.2779A>G on transcript NM_031220.4 (MANE Select); coding-DNA position 2779, A replaced by G.
Protein change: p.Met927Val; replaces methionine 927 with valine.
Molecular consequence: missense variant.
Genome position (GRCh38, 1-based): chr17:6,455,484, T>C on the plus strand (A>G on the coding strand, the complement: PITPNM3 is on the minus strand). VCF-style: chr17-6455484-T-C. GRCh37 (hg19) VCF-style: chr17-6358804-T-C.
Other names: c.2779A>G (NM_031220.3); c.2671A>G, p.Met891Val (NM_001165966.2); short protein forms M927V, M891V.
Identifiers: ClinVar variation 1409012 (VCV001409012.9), dbSNP rs763355277, ClinGen allele CA8329018.